The following is an entry in ClinVar:

NM_000143.4(FH):c.267+1G>T

Gene: FH (fumarate hydratase; minus strand). Cytogenetic location: 1q43.
Variant type: single nucleotide variant.
Coding change: c.267+1G>T on transcript NM_000143.4 (MANE Select); the canonical splice donor site of the intron after coding-DNA position 267, G replaced by T.
Molecular consequence: splice donor variant.
Genome position (GRCh38, 1-based): chr1:241,517,181, C>A on the plus strand (G>T on the coding strand, the complement: FH is on the minus strand). VCF-style: chr1-241517181-C-A. GRCh37 (hg19) VCF-style: chr1-241680481-C-A.
Identifiers: ClinVar variation 1072328 (VCV001072328.7), dbSNP rs878853691, ClinGen allele CA345441602.
Genomic context (GRCh38, chr1:241,517,181, plus strand): 5'-TGACTCATGAATACAGCCTACTTCATCCAAAATAGCCAACATTTCCACAAATGCCACTTA[C>A]TGGCATGCGTTCTGTCACACCTCCAATCTTAAAGTTCATCGTAGATCTCACGGTCTGGGC-3'

ClinVar aggregate classification (germline): Pathogenic (1 of 4 stars; one submission).

Submission:

Labcorp Genetics (formerly Invitae), Labcorp
Classification: Pathogenic. Last evaluated: 2021-09-23. Review status: criteria provided, single submitter. Criteria: Invitae Variant Classification Sherloc (09022015). Collection method: clinical testing. Allele origin: germline.
Comment: For these reasons, this variant has been classified as Pathogenic. Algorithms developed to predict the effect of sequence changes on RNA splicing suggest that this variant may disrupt the consensus splice site. Experimental studies have shown that disruption of this splice site affects FH function (PMID: 16597677). ClinVar contains an entry for this variant (Variation ID: 1072328). This sequence change affects a donor splice site in intron 2 of the FH gene. It is expected to disrupt RNA splicing. Variants that disrupt the donor or acceptor splice site typically lead to a loss of protein function (PMID: 16199547), and loss-of-function variants in FH are known to be pathogenic (PMID: 11865300, 21398687). This variant is not present in population databases (ExAC no frequency). Disruption of this splice site has been observed in individual(s) with clinical features of FH-related conditions (PMID: 16597677; Invitae). It has also been observed to segregate with disease in related individuals.

Literature cited by the submitters: PubMed 16597677; PubMed 16199547; PubMed 11865300; PubMed 21398687.